The following is an entry in ClinVar:

ClinVar aggregate classification (germline): Likely benign (1 of 4 stars; one submission).

gnomAD v4.1: 65 of 1,614,040 alleles (0.004%); highest among the groups gnomAD compares: Admixed American, 0.1%; no homozygotes.

Submission:

CeGaT Center for Human Genetics Tuebingen
Classification: Likely benign. Last evaluated: 2026-09-01. Review status: criteria provided, single submitter. Criteria: CeGaT Center For Human Genetics Tuebingen Variant Classification Criteria Version 2. Collection method: clinical testing. Allele origin: germline. Affected: yes. Observed: 2 variant alleles.
Comment: PIGS: BP4, BP7

NM_033198.4(PIGS):c.1359C>T (p.Ser453=)

Gene: PIGS (phosphatidylinositol glycan anchor biosynthesis class S; minus strand). Cytogenetic location: 17q11.2.
Variant type: single nucleotide variant.
Coding change: c.1359C>T on transcript NM_033198.4 (MANE Select); coding-DNA position 1359, C replaced by T.
Protein change: p.Ser453=; no amino-acid change (serine 453 retained).
Molecular consequence: synonymous variant.
Genome position (GRCh38, 1-based): chr17:28,554,884, G>A on the plus strand (C>T on the coding strand, the complement: PIGS is on the minus strand). VCF-style: chr17-28554884-G-A. GRCh37 (hg19) VCF-style: chr17-26881902-G-A.
Identifiers: ClinVar variation 4823586 (VCV004823586.4).